The following is an entry in ClinVar:

NM_001190.4(BCAT2):c.217A>G (p.Lys73Glu)

Gene: BCAT2 (branched chain amino acid transaminase 2; minus strand). Cytogenetic location: 19q13.33.
Variant type: single nucleotide variant.
Coding change: c.217A>G on transcript NM_001190.4 (MANE Select); coding-DNA position 217, A replaced by G.
Protein change: p.Lys73Glu; replaces lysine 73 with glutamic acid.
Molecular consequence: missense variant. On other transcripts: intron variant (1).
Genome position (GRCh38, 1-based): chr19:48,806,600, T>C on the plus strand (A>G on the coding strand, the complement: BCAT2 is on the minus strand). VCF-style: chr19-48806600-T-C. GRCh37 (hg19) VCF-style: chr19-49309857-T-C.
Other names: c.97A>G, p.Lys33Glu (NM_001284325.2); c.24+4384A>G (NM_001164773.2); short protein forms K73E, K33E.
Identifiers: ClinVar variation 1405630 (VCV001405630.6), dbSNP rs2122691935, ClinGen allele CA406727419.
Genomic context (GRCh38, chr19:48,806,600, plus strand): 5'-AGGAGGCTGGGTGCAGCGTGAGGTTCTGGAAGGGCTGGATTCGGGGCTGGCCCCAGCCCT[T>C]GTCATTCCATTCCACCATCAGCATGTGGTCGGTAAATGTCTTCCCAAACACCAGGGGCTC-3'
Protein context (NP_001181.2, residues 63-83): DHMLMVEWND[Lys73Glu]GWGQPRIQPF

ClinVar aggregate classification (germline): Uncertain significance (1 of 4 stars; one submission).

Submission:

Labcorp Genetics (formerly Invitae), Labcorp
Classification: Uncertain significance. Last evaluated: 2024-12-02. Review status: criteria provided, single submitter. Criteria: Invitae Variant Classification Sherloc (09022015). Collection method: clinical testing. Allele origin: germline.
Comment: This sequence change replaces lysine, which is basic and polar, with glutamic acid, which is acidic and polar, at codon 73 of the BCAT2 protein (p.Lys73Glu). This variant is not present in population databases (gnomAD no frequency). This variant has not been reported in the literature in individuals affected with BCAT2-related conditions. ClinVar contains an entry for this variant (Variation ID: 1405630). Invitae Evidence Modeling of protein sequence and biophysical properties (such as structural, functional, and spatial information, amino acid conservation, physicochemical variation, residue mobility, and thermodynamic stability) indicates that this missense variant is not expected to disrupt BCAT2 protein function with a negative predictive value of 80%. In summary, the available evidence is currently insufficient to determine the role of this variant in disease. Therefore, it has been classified as a Variant of Uncertain Significance.